The following is an entry in ClinVar:

NM_000207.3(INS):c.16C>T (p.Arg6Cys)

Genes: INS-IGF2 (INS-IGF2 readthrough; minus strand), INS (insulin; minus strand). Cytogenetic location: 11p15.5.
Variant type: single nucleotide variant.
Coding change: c.16C>T on transcript NM_000207.3 (MANE Select); coding-DNA position 16, C replaced by T.
Protein change: p.Arg6Cys; replaces arginine 6 with cysteine.
Molecular consequence: missense variant. On other transcripts: non-coding transcript variant (1).
Genome position (GRCh38, 1-based): chr11:2,160,956, G>A on the plus strand (C>T on the coding strand, the complement: INS is on the minus strand). VCF-style: chr11-2160956-G-A. GRCh37 (hg19) VCF-style: chr11-2182186-G-A.
Other names: c.16C>T, p.Arg6Cys (NM_001185097.2, NM_001185098.2, NM_001291897.2 and 1 more transcripts); short protein forms R6C.
Identifiers: ClinVar variation 13390 (VCV000013390.2), dbSNP rs121908278, ClinGen allele CA123085.
Genomic context (GRCh38, chr11:2,160,956, plus strand): 5'-CAAAGGCTGCGGCTGGGTCAGGTCCCCAGAGGGCCAGCAGCGCCAGCAGGGGCAGGAGGC[G>A]CATCCACAGGGCCATGGCAGAAGGACAGTGATCTGGGAGACAGGCAGGGCTGAGGCAGGC-3'
Protein context (NP_000198.1, residues 1-16): MALWM[Arg6Cys]LLPLLALLAL

ClinVar aggregate classification (germline): Likely risk allele. Review status: criteria provided, single submitter (1 of 4 stars). 3 submissions from 3 submitters: Likely risk allele (1). 2 of the submissions do not count toward it.

Conditions:
Maturity-onset diabetes of the young type 10. Identifiers: Orphanet 552, MedGen C3150617, MONDO:0013240, OMIM 613370.

Allele frequency attached by ClinVar (database versions not stated): gnomAD 0.00003; TOPMed 0.00003.
gnomAD v4.1: 22 of 1,612,274 alleles (0.0014%); highest among the groups gnomAD compares: Middle Eastern, 0.033%; no homozygotes.

Submissions (3):

Clinical Genomics, Uppaluri K&H Personalized Medicine Clinic
Classification: Likely risk allele for Maturity-onset diabetes of the young type 10. Review status: criteria provided, single submitter. Criteria: K &amp; H Uppaluri Personalized Medicine Clinic Variant Classification &amp; Assertion Criteria_Updated V.1. Collection method: research. Allele origin: unknown. Inheritance: Autosomal dominant inheritance.
Comment: Potent mutations in the INS gene can cause early onset diabetes mellitus which is insulin dependent. May have poor response to sulfonylureas, mutations in this gene can cause beta cell destruction.Sufficient evidence is found to confer the association of this particular Pathogenic variant R6C/rs121908278 with Maturity-onset diabetes of the young (MODY).

OMIM
Classification: Pathogenic for MATURITY-ONSET DIABETES OF THE YOUNG, TYPE 10. Last evaluated: 2008-04-01. Review status: no assertion criteria provided. Collection method: literature only. Allele origin: germline. Not counted in ClinVar's aggregate classification.

UniProtKB/Swiss-Prot
No classification provided. Condition: Maturity-onset diabetes of the young, type 10. Review status: no classification provided. Collection method: not provided. Allele origin: not provided. Not counted in ClinVar's aggregate classification.

Literature cited by the submitters: PubMed 34174481 (cited by Clinical Genomics, Uppaluri K&H Personalized Medicine Clinic); PubMed 18162506 (cited by Clinical Genomics, Uppaluri K&H Personalized Medicine Clinic and OMIM).